The following is an entry in ClinVar:

NM_007194.4(CHEK2):c.1008+1G>A

Gene: CHEK2 (checkpoint kinase 2; minus strand). Cytogenetic location: 22q12.1.
Variant type: single nucleotide variant.
Coding change: c.1008+1G>A on transcript NM_007194.4 (MANE Select); the canonical splice donor site of the intron after coding-DNA position 1008, G replaced by A.
Molecular consequence: splice donor variant.
Genome position (GRCh38, 1-based): chr22:28,699,837, C>T on the plus strand (G>A on the coding strand, the complement: CHEK2 is on the minus strand). VCF-style: chr22-28699837-C-T. GRCh37 (hg19) VCF-style: chr22-29095825-C-T.
Other names: c.345+1G>A (NM_001437942.1, NM_001257387.3); c.807+1G>A (NM_001349956.3); c.1008+1G>A (NM_145862.3); c.1101+1G>A (NM_001438295.1, NM_001438293.1); c.1137+1G>A (NM_001438294.1, NM_001005735.3).
Identifiers: ClinVar variation 479580 (VCV000479580.26), dbSNP rs1555915298, ClinGen allele CA411099240.

ClinVar aggregate classification (germline): Likely pathogenic. Review status: criteria provided, multiple submitters, no conflicts (2 of 4 stars). 6 submissions from 6 submitters: Likely pathogenic (6). Last evaluated 2025-12-23.

Conditions:
Familial cancer of breast. Also called: BREAST CANCER, FAMILIAL; Hereditary breast cancer; hereditary breast carcinoma. Identifiers: Orphanet 227535, MedGen C0346153, MONDO:0016419, OMIM 114480. Disease mechanism: loss of function.
Hereditary cancer-predisposing syndrome. Also called: Hereditary Cancer Syndrome; Neoplastic Syndromes, Hereditary; Tumor predisposition; Hereditary neoplastic syndrome. Identifiers: Orphanet 140162, MedGen C0027672, MeSH D009386, MONDO:0015356.
Inherited prostate cancer.

Allele frequency attached by ClinVar (database versions not stated): gnomAD exomes below 0.00001.
gnomAD v4.1: 1 of 1,608,774 alleles (0.000062%); highest among the groups gnomAD compares: Non-Finnish European, 0.000085%; no homozygotes.

Submissions (6):

Labcorp Genetics (formerly Invitae), Labcorp
Classification: Likely pathogenic for Familial cancer of breast. Last evaluated: 2025-12-23. Review status: criteria provided, single submitter. Criteria: Invitae Variant Classification Sherloc (09022015). Collection method: clinical testing. Allele origin: germline.
Comment: This sequence change affects a donor splice site in intron 9 of the CHEK2 gene. It is expected to disrupt RNA splicing. Variants that disrupt the donor or acceptor splice site typically lead to a loss of protein function (PMID: 16199547), and loss-of-function variants in CHEK2 are known to be pathogenic (PMID: 21876083, 24713400). This variant is not present in population databases (gnomAD no frequency). This variant has not been reported in the literature in individuals affected with CHEK2-related conditions. ClinVar contains an entry for this variant (Variation ID: 479580). Algorithms developed to predict the effect of sequence changes on RNA splicing suggest that this variant may disrupt the consensus splice site. In summary, the currently available evidence indicates that the variant is pathogenic, but additional data are needed to prove that conclusively. Therefore, this variant has been classified as Likely Pathogenic.

Cambridge Genomics Laboratory, East Genomic Laboratory Hub, NHS Genomic Medicine Service
Classification: Likely pathogenic for Inherited prostate cancer. Last evaluated: 2025-02-20. Review status: criteria provided, single submitter. Criteria: ACGS Best Practice Guidelines for Variant Classification in Rare Disease 2020. Collection method: clinical testing. Allele origin: germline. Affected: yes.
Comment: PVS1,PM2_Supporting

Ambry Genetics
Classification: Likely pathogenic for Hereditary cancer-predisposing syndrome. Last evaluated: 2024-09-26. Review status: criteria provided, single submitter. Criteria: Ambry Variant Classification Scheme 2023. Collection method: clinical testing. Allele origin: germline.
Comment: The c.1008+1G>A intronic variant results from a G to A substitution one nucleotide after coding exon 8 of the CHEK2 gene. This variant is considered to be rare based on population cohorts in the Genome Aggregation Database (gnomAD). This nucleotide position is highly conserved in available vertebrate species. In silico splice site analysis predicts that this alteration will weaken the native splice donor site; however, direct evidence is insufficient at this time (Ambry internal data). Alterations that disrupt the canonical splice site are expected to cause aberrant splicing, resulting in an abnormal protein or a transcript that is subject to nonsense-mediated mRNA decay. As such, this alteration is classified as likely pathogenic.

Color Diagnostics, LLC DBA Color Health
Classification: Likely pathogenic for Hereditary cancer-predisposing syndrome. Last evaluated: 2024-05-06. Review status: criteria provided, single submitter. Criteria: ACMG Guidelines, 2015. Collection method: clinical testing. Allele origin: germline.
Comment: This variant causes a G>A nucleotide substitution at the +1 position of intron 9 of the CHEK2 gene. Splice site prediction tools predict that this variant may have a significant impact on RNA splicing. Although functional RNA studies have not been reported for this variant, it is expected to result in an absent or non-functional protein product. This variant has not been reported in individuals affected with CHEK2-related disorders in the literature. This variant has not been identified in the general population by the Genome Aggregation Database (gnomAD). Loss of CHEK2 function is a known mechanism of disease. Based on the available evidence, this variant is classified as Likely Pathogenic.

Baylor Genetics
Classification: Likely pathogenic for Familial cancer of breast. Last evaluated: 2024-03-17. Review status: criteria provided, single submitter. Criteria: ACMG Guidelines, 2015. Collection method: clinical testing. Allele origin: unknown.

Myriad Genetics, Inc.
Classification: Likely pathogenic for Familial cancer of breast. Last evaluated: 2023-06-27. Review status: criteria provided, single submitter. Criteria: Myriad Autosomal Dominant, Autosomal Recessive and X-Linked Classification Criteria (2023). Collection method: clinical testing. Allele origin: unknown.
Comment: This variant is considered likely pathogenic. This variant occurs within a consensus splice junction and is predicted to result in abnormal mRNA splicing of either an out-of-frame exon or an in-frame exon necessary for protein stability and/or normal function.

Literature cited by the submitters: PubMed 16199547 (cited by Labcorp Genetics (formerly Invitae), Labcorp); PubMed 21876083 (cited by Labcorp Genetics (formerly Invitae), Labcorp); PubMed 24713400 (cited by Labcorp Genetics (formerly Invitae), Labcorp).